The following is an entry in ClinVar:

NM_001036.6(RYR3):c.9234G>A (p.Ser3078=)

Gene: RYR3 (ryanodine receptor 3; plus strand). Cytogenetic location: 15q14.
Variant type: single nucleotide variant.
Coding change: c.9234G>A on transcript NM_001036.6 (MANE Select); coding-DNA position 9234, G replaced by A.
Protein change: p.Ser3078=; no amino-acid change (serine 3078 retained).
Molecular consequence: synonymous variant.
Genome position (GRCh38, 1-based): chr15:33,780,307, G>A. VCF-style: chr15-33780307-G-A. GRCh37 (hg19) VCF-style: chr15-34072508-G-A.
Other names: c.9234G>A, p.Ser3078= (NM_001243996.4).
Identifiers: ClinVar variation 1005657 (VCV001005657.10), dbSNP rs777159610, ClinGen allele CA7460460.

ClinVar aggregate classification (germline): Conflicting classifications of pathogenicity. Review status: criteria provided, conflicting classifications (1 of 4 stars). 3 submissions from 3 submitters: Uncertain significance (1); Likely benign (2). Last evaluated 2026-08-01.

Conditions:
Epileptic encephalopathy. Identifiers: MedGen C0543888, HP:0200134.

Allele frequency attached by ClinVar (database versions not stated): gnomAD 0.00002; gnomAD exomes 0.00002; TOPMed 0.00003; ExAC 0.00002.
gnomAD v4.1: 46 of 1,613,666 alleles (0.0029%); highest among the groups gnomAD compares: East Asian, 0.0067%; no homozygotes.

Submissions (3):

CeGaT Center for Human Genetics Tuebingen
Classification: Likely benign. Last evaluated: 2026-08-01. Review status: criteria provided, single submitter. Criteria: CeGaT Center For Human Genetics Tuebingen Variant Classification Criteria Version 2. Collection method: clinical testing. Allele origin: germline. Affected: yes. Observed: 1 variant allele.
Comment: RYR3: BP4, BP7

Labcorp Genetics (formerly Invitae), Labcorp
Classification: Likely benign for Epileptic encephalopathy. Last evaluated: 2024-02-24. Review status: criteria provided, single submitter. Criteria: Invitae Variant Classification Sherloc (09022015). Collection method: clinical testing. Allele origin: germline.

Breakthrough Genomics
Classification: Uncertain significance. Review status: criteria provided, single submitter. Criteria: ACMG Guidelines, 2015. Collection method: not provided. Allele origin: germline. Inheritance: Unknown mechanism. Affected: yes.